The following is an entry in ClinVar:

ClinVar aggregate classification (germline): Uncertain significance (1 of 4 stars; one submission).

Conditions:
DHODH-related disorder. Also called: DHODH-related condition.

Submission:

PreventionGenetics, part of Exact Sciences
Classification: Uncertain significance for DHODH-related condition. Last evaluated: 2026-06-03. Review status: criteria provided, single submitter. Criteria: ACMG Guidelines, 2015. Collection method: clinical testing. Allele origin: germline.
Comment: The DHODH c.590G>T variant is predicted to result in the amino acid substitution p.Gly197Val. To our knowledge, this variant has not been reported in the literature or in a large population database (gnomAD), indicating this variant is rare. Although we suspect that this variant may be pathogenic, at this time, the clinical significance of this variant is uncertain due to the absence of conclusive functional and genetic evidence.

NM_001361.5(DHODH):c.590G>T (p.Gly197Val)

Gene: DHODH (dihydroorotate dehydrogenase (quinone); plus strand). Cytogenetic location: 16q22.2.
Variant type: single nucleotide variant.
Coding change: c.590G>T on transcript NM_001361.5 (MANE Select); coding-DNA position 590, G replaced by T.
Protein change: p.Gly197Val; replaces glycine 197 with valine.
Molecular consequence: missense variant.
Genome position (GRCh38, 1-based): chr16:72,021,196, G>T. VCF-style: chr16-72021196-G-T. GRCh37 (hg19) VCF-style: chr16-72055095-G-T.
Other names: short protein forms G197V.
Identifiers: ClinVar variation 2628465 (VCV002628465.2), dbSNP rs2506981846, ClinGen allele CA396683005.